The following is an entry in ClinVar:

ClinVar aggregate classification (germline): Uncertain significance (1 of 4 stars; one submission).

Conditions:
Familial Mediterranean fever (FMF). Also called: POLYSEROSITIS, FAMILIAL PAROXYSMAL; POLYSEROSITIS, RECURRENT; Periodic peritonitis; Benign paroxysmal peritonitis. Identifiers: Orphanet 342, MedGen C0031069, MONDO:0018088, OMIM 249100. Disease mechanism: gain of function.

Submission:

Labcorp Genetics (formerly Invitae), Labcorp
Classification: Uncertain significance for Familial Mediterranean fever. Last evaluated: 2019-01-08. Review status: criteria provided, single submitter. Criteria: Invitae Variant Classification Sherloc (09022015). Collection method: clinical testing. Allele origin: germline.
Comment: In summary, the available evidence is currently insufficient to determine the role of this variant in disease. Therefore, it has been classified as a Variant of Uncertain Significance. Algorithms developed to predict the effect of missense changes on protein structure and function output the following: SIFT: "Tolerated"; PolyPhen-2: "Benign"; Align-GVGD: "Class C0". The serine amino acid residue is found in multiple mammalian species, suggesting that this missense change does not adversely affect protein function. These predictions have not been confirmed by published functional studies and their clinical significance is uncertain. This variant has not been reported in the literature in individuals with MEFV-related conditions. This variant is not present in population databases (ExAC no frequency). This sequence change replaces proline with serine at codon 190 of the MEFV protein (p.Pro190Ser). The proline residue is weakly conserved and there is a moderate physicochemical difference between proline and serine.

NM_000243.3(MEFV):c.568C>T (p.Pro190Ser)

Gene: MEFV (MEFV innate immunity regulator, pyrin; minus strand). Cytogenetic location: 16p13.3.
Variant type: single nucleotide variant.
Coding change: c.568C>T on transcript NM_000243.3 (MANE Select); coding-DNA position 568, C replaced by T.
Protein change: p.Pro190Ser; replaces proline 190 with serine.
Molecular consequence: missense variant. On other transcripts: intron variant (1).
Genome position (GRCh38, 1-based): chr16:3,254,500, G>A on the plus strand (C>T on the coding strand, the complement: MEFV is on the minus strand). VCF-style: chr16-3254500-G-A. GRCh37 (hg19) VCF-style: chr16-3304500-G-A.
Other names: c.277+1811C>T (NM_001198536.2); short protein forms P190S.
Identifiers: ClinVar variation 860916 (VCV000860916.9), dbSNP rs1959085571, ClinGen allele CA394479501.
Genomic context (GRCh38, chr16:3,254,500, plus strand): 5'-CGGAGCTGGCGTTTCTGCGCAGCCGGACCTCGGCCTGGCCCCCCTCTAGCGCCCTGCAGG[G>A]GCCGGGGCTTCTCCCGCCCGGCAGGGCCGGGCTCCGGGTCCGAGGCTTGCCCTGCGCGTC-3'
Protein context (NP_000234.1, residues 180-200): PALPGGRSPG[Pro190Ser]CRALEGGQAE